The following is an entry in ClinVar:

ClinVar aggregate classification (germline): Uncertain significance. Review status: criteria provided, multiple submitters, no conflicts (2 of 4 stars). 2 submissions from 2 submitters: Uncertain significance (2). Last evaluated 2023-08-26.

Conditions:
Hereditary cancer-predisposing syndrome. Also called: Hereditary neoplastic syndrome; Neoplastic Syndromes, Hereditary; Hereditary Cancer Syndrome; Tumor predisposition. Identifiers: Orphanet 140162, MedGen C0027672, MeSH D009386, MONDO:0015356.
Gastrointestinal stromal tumor. Also called: Gastrointestinal stromal tumor, somatic; Gastrointestinal stroma tumor. Identifiers: Orphanet 44890, MedGen C0238198, MeSH D046152, MONDO:0011719, OMIM 606764, HP:0100723.

Submissions (2):

Ambry Genetics
Classification: Uncertain significance for Hereditary cancer-predisposing syndrome. Last evaluated: 2023-08-26. Review status: criteria provided, single submitter. Criteria: Ambry Variant Classification Scheme 2023. Collection method: clinical testing. Allele origin: germline.
Comment: The p.D1033E variant (also known as c.3099C>G), located in coding exon 21 of the PDGFRA gene, results from a C to G substitution at nucleotide position 3099. The aspartic acid at codon 1033 is replaced by glutamic acid, an amino acid with highly similar properties. This amino acid position is conserved. In addition, this alteration is predicted to be tolerated by in silico analysis. Since supporting evidence is limited at this time, the clinical significance of this alteration remains unclear.

Labcorp Genetics (formerly Invitae), Labcorp
Classification: Uncertain significance for Gastrointestinal stromal tumor. Last evaluated: 2018-05-30. Review status: criteria provided, single submitter. Criteria: Invitae Variant Classification Sherloc (09022015). Collection method: clinical testing. Allele origin: germline.
Comment: This sequence change replaces aspartic acid with glutamic acid at codon 1033 of the PDGFRA protein (p.Asp1033Glu). The aspartic acid residue is weakly conserved and there is a small physicochemical difference between aspartic acid and glutamic acid. This variant is not present in population databases (ExAC no frequency). This variant has not been reported in the literature in individuals with PDGFRA-related disease. Algorithms developed to predict the effect of missense changes on protein structure and function (SIFT, PolyPhen-2, Align-GVGD) all suggest that this variant is likely to be tolerated, but these predictions have not been confirmed by published functional studies and their clinical significance is uncertain. In summary, the available evidence is currently insufficient to determine the role of this variant in disease. Therefore, it has been classified as a Variant of Uncertain Significance.

NM_006206.6(PDGFRA):c.3099C>G (p.Asp1033Glu)

Gene: PDGFRA (platelet derived growth factor receptor alpha; plus strand). Cytogenetic location: 4q12.
Variant type: single nucleotide variant.
Coding change: c.3099C>G on transcript NM_006206.6 (MANE Select); coding-DNA position 3099, C replaced by G.
Protein change: p.Asp1033Glu; replaces aspartic acid 1033 with glutamic acid.
Molecular consequence: missense variant.
Genome position (GRCh38, 1-based): chr4:54,290,531, C>G. VCF-style: chr4-54290531-C-G. GRCh37 (hg19) VCF-style: chr4-55156698-C-G.
Other names: c.3174C>G, p.Asp1058Glu (NM_001347828.2); c.3099C>G, p.Asp1033Glu (NM_001347829.2); c.3138C>G, p.Asp1046Glu (NM_001347830.2); short protein forms D1033E, D1058E, D1046E.
Identifiers: ClinVar variation 565998 (VCV000565998.11), dbSNP rs1560493249, ClinGen allele CA356896376.
Genomic context (GRCh38, chr4:54,290,531, plus strand): 5'-CGCTGACAGTGGCTACATCATTCCTCTGCCTGACATTGACCCTGTCCCTGAGGAGGAGGA[C>G]CTGGGCAAGAGGAACAGACACAGGTAGCTGTGGGGGCAGCCTCGGTGTCTCACCTTTCCC-3'
Protein context (NP_006197.1, residues 1023-1043): PDIDPVPEEE[Asp1033Glu]LGKRNRHSSQ